The following is an entry in ClinVar:

NM_006208.3(ENPP1):c.2657G>C (p.Arg886Thr)

Gene: ENPP1 (ectonucleotide pyrophosphatase/phosphodiesterase 1; plus strand). Cytogenetic location: 6q23.2.
Variant type: single nucleotide variant.
Coding change: c.2657G>C on transcript NM_006208.3 (MANE Select); coding-DNA position 2657, G replaced by C.
Protein change: p.Arg886Thr; replaces arginine 886 with threonine.
Molecular consequence: missense variant.
Genome position (GRCh38, 1-based): chr6:131,890,390, G>C. VCF-style: chr6-131890390-G-C. GRCh37 (hg19) VCF-style: chr6-132211530-G-C.
Other names: short protein forms R886T.
Identifiers: ClinVar variation 195885 (VCV000195885.29), dbSNP rs8192683, ClinGen allele CA201999.
Genomic context (GRCh38, chr6:131,890,390, plus strand): 5'-TATTCTCCTAGCATGGGAAGCATGACTCCTCATGGGTTGAAGAATTGTTAATGTTACACA[G>C]AGCACGGATCACAGATGTTGAGCACATCACTGGACTCAGCTTCTATCAACAAAGAAAAGA-3'
Protein context (NP_006199.2, residues 876-896): SWVEELLMLH[Arg886Thr]ARITDVEHIT

ClinVar aggregate classification (germline): Conflicting classifications of pathogenicity. Review status: criteria provided, conflicting classifications (1 of 4 stars). 9 submissions from 8 submitters: Uncertain significance (1); Benign (4); Likely benign (3). 1 of the submissions does not count toward it. Last evaluated 2026-07-01.

Conditions:
ENPP1-related disorder. Also called: ENPP1-related condition; ENPP1-related disorders.
Arterial calcification, generalized, of infancy, 1 (GACI1). Also called: Idiopathic Infantile Arterial Calcification. Identifiers: Orphanet 51608, MedGen C4551985, MONDO:0008817, OMIM 208000.
Hypophosphatemic rickets, autosomal recessive, 2 (ARHR2). Identifiers: Orphanet 289176, MedGen C2750078, MONDO:0013219, OMIM 613312.
Type 2 diabetes mellitus. Also called: Type II diabetes mellitus. Identifiers: MedGen C0011860, MeSH D003924, MONDO:0005148, OMIM 125853, HP:0005978.

Allele frequency attached by ClinVar (database versions not stated): gnomAD 0.00299 and 0.00328; 1000 Genomes Project 0.00300; TOPMed 0.00350; ExAC 0.00400; 1000 Genomes Project 30x 0.00406; gnomAD exomes 0.00409 and 0.00488; ESP Exome Variant Server 0.00446.
gnomAD v4.1: 7,661 of 1,613,672 alleles (0.47%); highest among the groups gnomAD compares: South Asian, 0.84%; 32 homozygotes.

Submissions (9):

CeGaT Center for Human Genetics Tuebingen
Classification: Likely benign. Last evaluated: 2026-07-01. Review status: criteria provided, single submitter. Criteria: CeGaT Center For Human Genetics Tuebingen Variant Classification Criteria Version 2. Collection method: clinical testing. Allele origin: germline. Affected: yes. Observed: 2 variant alleles.
Comment: ENPP1: PM5, BP4, BS2

Labcorp Genetics (formerly Invitae), Labcorp
Classification: Benign. Last evaluated: 2026-02-03. Review status: criteria provided, single submitter. Criteria: Invitae Variant Classification Sherloc (09022015). Collection method: clinical testing. Allele origin: germline.

Mayo Clinic Laboratories, Mayo Clinic
Classification: Benign. Last evaluated: 2025-01-13. Review status: criteria provided, single submitter. Criteria: ACMG Guidelines, 2015. Collection method: clinical testing. Allele origin: germline. Observed: 4 variant alleles.
Comment: BS1, BS2, BP4_moderate

GeneDx
Classification: Benign. Last evaluated: 2019-09-27. Review status: criteria provided, single submitter. Criteria: GeneDx Variant Classification Process June 2021. Collection method: clinical testing. Allele origin: germline. Affected: yes.

Illumina Laboratory Services, Illumina
Classification: Likely benign for Hypophosphatemic rickets, autosomal recessive, 2. Last evaluated: 2018-01-12. Review status: criteria provided, single submitter. Criteria: ICSL Variant Classification Criteria 13 December 2019. Collection method: clinical testing. Allele origin: germline.
Comment: This variant was observed in the ICSL laboratory as part of a predisposition screen in an ostensibly healthy population. It had not been previously curated by ICSL or reported in the Human Gene Mutation Database (HGMD: prior to June 1st, 2018), and was therefore a candidate for classification through an automated scoring system. Utilizing variant allele frequency, disease prevalence and penetrance estimates, and inheritance mode, an automated score was calculated to assess if this variant is too frequent to cause the disease. Based on the score and internal cut-off values, a variant classified as likely benign is not then subjected to further curation. The score for this variant resulted in a classification of likely benign for this disease.

Illumina Laboratory Services, Illumina
Classification: Likely benign for Arterial calcification, generalized, of infancy, 1. Last evaluated: 2018-01-12. Review status: criteria provided, single submitter. Criteria: ICSL Variant Classification Criteria 13 December 2019. Collection method: clinical testing. Allele origin: germline.
Comment: the same text as in the submission from Illumina Laboratory Services, Illumina above.

Eurofins Ntd Llc (ga)
Classification: Benign. Last evaluated: 2015-04-09. Review status: criteria provided, single submitter. Criteria: EGL Classification Definitions 2015. Collection method: clinical testing. Allele origin: germline. Observed: 1 variant allele, 1 heterozygote.

Clinical Genomics, Uppaluri K&H Personalized Medicine Clinic
Classification: Uncertain significance for Type 2 diabetes mellitus. Review status: criteria provided, single submitter. Criteria: K&H Uppaluri Personalized Medicine Clinic Variant Classification & Assertion Criteria. Collection method: research. Allele origin: somatic. Inheritance: Autosomal dominant inheritance.
Comment: ENPP1 gene is associated with type 2 diabetes mellitus and increased insulin resistance. It is also associated with calcification of coronary artery disease, increasing the chances of macrovascular complications in diabetes. However, no sufficient evidence is found to ascertain the role of rs8192683 variant in Diabetes Mellitus yet.

PreventionGenetics, part of Exact Sciences
Classification: Benign for ENPP1-related condition. Last evaluated: 2019-06-25. Review status: no assertion criteria provided. Collection method: clinical testing. Allele origin: germline. Not counted in ClinVar's aggregate classification.
Comment: This variant is classified as benign based on ACMG/AMP sequence variant interpretation guidelines (Richards et al. 2015 PMID: 25741868, with internal and published modifications).

Literature cited by the submitters: PubMed 34609116 (cited by Clinical Genomics, Uppaluri K&H Personalized Medicine Clinic).